The following is an entry in ClinVar:

ClinVar aggregate classification (germline): Pathogenic (1 of 4 stars; one submission).

Conditions:
Alport syndrome. Also called: Hemorrhagic familial nephritis; Hemorrhagic hereditary nephritis; Congenital hereditary hematuria. Identifiers: Orphanet 63, MedGen C1567741, MONDO:0018965.

Submission:

Myriad Genetics, Inc.
Classification: Pathogenic for Alport syndrome. Last evaluated: 2023-10-24. Review status: criteria provided, single submitter. Criteria: Myriad Autosomal Dominant, Autosomal Recessive and X-Linked Classification Criteria (2023). Collection method: clinical testing. Allele origin: unknown.
Comment: NM_000091.4(COL4A3):c.4438C>T(Q1480*) is expected to be pathogenic in the context of Alport syndrome, COL4A3-related. This variant is predicted to lead to an abnormal or absent protein product due to the creation of a premature termination codon in COL4A3, a gene where loss-of-function variants are known to be pathogenic. Please note: this variant was assessed in the context of healthy population screening.

NM_000091.5(COL4A3):c.4438C>T (p.Gln1480Ter)

Genes: COL4A3 (collagen type IV alpha 3 chain; plus strand), MFF-DT (MFF divergent transcript; minus strand). Cytogenetic location: 2q36.3.
Variant type: single nucleotide variant.
Coding change: c.4438C>T on transcript NM_000091.5 (MANE Select); coding-DNA position 4438, C replaced by T.
Protein change: p.Gln1480Ter; replaces glutamine 1480 with a stop codon.
Molecular consequence: nonsense.
Genome position (GRCh38, 1-based): chr2:227,307,895, C>T. VCF-style: chr2-227307895-C-T. GRCh37 (hg19) VCF-style: chr2-228172611-C-T.
Other names: short protein forms Q1480*.
Identifiers: ClinVar variation 5012419 (VCV005012419.1).